The following is an entry in ClinVar:

NM_005068.3(SIM1):c.858G>A (p.Val286=)

Gene: SIM1 (SIM bHLH transcription factor 1; minus strand). Cytogenetic location: 6q16.3.
Variant type: single nucleotide variant.
Coding change: c.858G>A on transcript NM_005068.3 (MANE Select); coding-DNA position 858, G replaced by A.
Protein change: p.Val286=; no amino-acid change (valine 286 retained).
Molecular consequence: synonymous variant.
Genome position (GRCh38, 1-based): chr6:100,447,408, C>T on the plus strand (G>A on the coding strand, the complement: SIM1 is on the minus strand). VCF-style: chr6-100447408-C-T. GRCh37 (hg19) VCF-style: chr6-100895284-C-T.
Other names: c.858G>A, p.Val286= (NM_001374769.1).
Identifiers: ClinVar variation 4994339 (VCV004994339.1).

ClinVar aggregate classification (germline): Likely benign (1 of 4 stars; one submission).

Conditions:
SIM1-related disorder. Also called: SIM1-related condition; SIM1-related disorders.

gnomAD v4.1: 14 of 1,614,124 alleles (0.00087%); highest among the groups gnomAD compares: Non-Finnish European, 0.0011%; no homozygotes.

Submission:

PreventionGenetics, part of Exact Sciences
Classification: Likely benign for SIM1-related condition. Last evaluated: 2026-07-23. Review status: criteria provided, single submitter. Criteria: ACMG Guidelines, 2015. Collection method: clinical testing. Allele origin: germline.
Comment: This variant is classified as likely benign based on ACMG/AMP sequence variant interpretation guidelines (Richards et al. 2015 PMID: 25741868, with internal and published modifications).